The following is an entry in ClinVar:

ClinVar aggregate classification (germline): Uncertain significance (1 of 4 stars; one submission).

Conditions:
Platelet-type bleeding disorder 16 (BDPLT16). Also called: Bleeding disorder, platelet-type, 16, autosomal dominant. Identifiers: Orphanet 140957, MedGen C5442010, MONDO:0008552, OMIM 187800.

Allele frequency attached by ClinVar (database versions not stated): ExAC 0.00002; gnomAD 0.00005; TOPMed 0.00006.

Submission:

Neuberg Centre For Genomic Medicine, NCGM
Classification: Uncertain significance for Platelet-type bleeding disorder 16. Review status: criteria provided, single submitter. Criteria: ACMG Guidelines, 2015. Collection method: clinical testing. Allele origin: germline. Inheritance: Autosomal dominant inheritance. Affected: yes.
Comment: The missense variant c.2320C>T (p.Arg774Trp) in ITGA2B gene has not been reported previously as a pathogenic variant nor as a benign variant, to our knowledge. The p.Arg774Trp variant is novel (not in any individuals) in 1000 Genomes and allele frequency of 0.00003182% is reported in gnomAD. The amino acid Arg at position 774 is changed to a Trp changing protein sequence and it might alter its composition and physico-chemical properties. The amino acid change p.Arg774Trp in ITGA2B is predicted as conserved by PhyloP across 100 vertebrates. For these reasons, this variant has been classified as Uncertain Significance.

NM_000419.5(ITGA2B):c.2320C>T (p.Arg774Trp)

Gene: ITGA2B (integrin subunit alpha 2b; minus strand). Cytogenetic location: 17q21.31.
Variant type: single nucleotide variant.
Coding change: c.2320C>T on transcript NM_000419.5 (MANE Select); coding-DNA position 2320, C replaced by T.
Protein change: p.Arg774Trp; replaces arginine 774 with tryptophan.
Molecular consequence: missense variant.
Genome position (GRCh38, 1-based): chr17:44,376,336, G>A on the plus strand (C>T on the coding strand, the complement: ITGA2B is on the minus strand). VCF-style: chr17-44376336-G-A. GRCh37 (hg19) VCF-style: chr17-42453704-G-A.
Other names: short protein forms R774W.
Identifiers: ClinVar variation 2584855 (VCV002584855.1), dbSNP rs547581737, ClinGen allele CA8602736.